The following is an entry in ClinVar:

NM_000232.5(SGCB):c.12G>A (p.Ala4=)

Genes: SGCB (sarcoglycan beta; minus strand), LOC129992585 (ATAC-STARR-seq lymphoblastoid silent region 15421; plus strand). Cytogenetic location: 4q12.
Variant type: single nucleotide variant.
Coding change: c.12G>A on transcript NM_000232.5 (MANE Select); coding-DNA position 12, G replaced by A.
Protein change: p.Ala4=; no amino-acid change (alanine 4 retained).
Molecular consequence: synonymous variant.
Genome position (GRCh38, 1-based): chr4:52,038,248, C>T on the plus strand (G>A on the coding strand, the complement: SGCB is on the minus strand). VCF-style: chr4-52038248-C-T. GRCh37 (hg19) VCF-style: chr4-52904414-C-T.
Other names: NM_000232.5(SGCB):c.12G>A; p.Ala4=.
Identifiers: ClinVar variation 1948197 (VCV001948197.7), dbSNP rs758245081, ClinGen allele CA2918527.

ClinVar aggregate classification (germline): Likely benign. Review status: reviewed by expert panel (3 of 4 stars). 3 submissions from 3 submitters: Likely benign (1). 2 of the submissions do not count toward it. Last evaluated 2025-01-09.

Conditions:
Autosomal recessive limb-girdle muscular dystrophy type 2E (LGMDR4). Also called: MUSCULAR DYSTROPHY, LIMB-GIRDLE, AUTOSOMAL RECESSIVE 4. Identifiers: Orphanet 119, MedGen C1858593, MONDO:0011423, OMIM 604286. Disease mechanism: Affects gamma-sarcoglycan and also disrupts the integrity of the entire sarcoglycan complex..
Autosomal recessive limb-girdle muscular dystrophy. Identifiers: Orphanet 102015, MedGen C2931907, MONDO:0015152.

Allele frequency attached by ClinVar (database versions not stated): ExAC 0.00271.

Submissions (3):

ClinGen Limb Girdle Muscular Dystrophy Variant Curation Expert Panel, ClinGen
Classification: Likely benign for Autosomal recessive limb-girdle muscular dystrophy. Last evaluated: 2025-01-09. Review status: reviewed by expert panel. Criteria: ClinGen LGMD VCEP ACMG Specifications SGCB V1.0.0. Collection method: curation. Allele origin: germline. Inheritance: Autosomal recessive inheritance.
Comment: The NM_000232.5: c.12G>A p.(Ala4=) variant in SGCB is a synonymous (silent) variant that is not predicted to influence splicing by SpliceAI (score 0.01) (BP4, BP7). The highest population minor allele frequency in gnomAD v2.1.1 is 0.001138 (11/9664 exome alleles) in the East Asian population (PM2_Supporting, BS1, BA1 not met). In summary, this variant meets the criteria to be classified as Likely Benign for autosomal recessive limb girdle muscular dystrophy based on the ACMG/AMP criteria applied, as specified by the ClinGen LGMD VCEP (LGMD VCEP specifications version 1.0.0; 01/09/2025): BP4, BP7.

Blueprint Genetics
Classification: Likely benign. Last evaluated: 2024-11-04. Review status: criteria provided, single submitter. Criteria: ACMG Guidelines, 2015. Collection method: clinical testing. Allele origin: germline. Not counted in ClinVar's aggregate classification.

Labcorp Genetics (formerly Invitae), Labcorp
Classification: Likely benign for Autosomal recessive limb-girdle muscular dystrophy type 2E. Last evaluated: 2023-09-10. Review status: criteria provided, single submitter. Criteria: Invitae Variant Classification Sherloc (09022015). Collection method: clinical testing. Allele origin: germline. Not counted in ClinVar's aggregate classification.